The following is an entry in ClinVar:

ClinVar aggregate classification (germline): Uncertain significance (1 of 4 stars; one submission).

Conditions:
Periodic fever-infantile enterocolitis-autoinflammatory syndrome. Also called: Autoinflammation with infantile enterocolitis. Identifiers: Orphanet 436166, MedGen C4015067, MONDO:0014472, OMIM 616050.
Familial cold autoinflammatory syndrome 4 (FCAS4). Identifiers: Orphanet 47045, Orphanet 576349, MedGen C4015276, MONDO:0014498, OMIM 616115.

Submission:

Labcorp Genetics (formerly Invitae), Labcorp
Classification: Uncertain significance for Periodic fever-infantile enterocolitis-autoinflammatory syndrome; Familial cold autoinflammatory syndrome 4. Last evaluated: 2025-09-14. Review status: criteria provided, single submitter. Criteria: Invitae Variant Classification Sherloc (09022015). Collection method: clinical testing. Allele origin: germline.
Comment: This variant, c.284_286del, results in the deletion of 1 amino acid(s) of the NLRC4 protein (p.Glu95del), but otherwise preserves the integrity of the reading frame. This variant is present in population databases (rs758717441, gnomAD 0.0009%). This variant has not been reported in the literature in individuals affected with NLRC4-related conditions. Experimental studies and prediction algorithms are not available or were not evaluated, and the functional significance of this variant is currently unknown. In summary, the available evidence is currently insufficient to determine the role of this variant in disease. Therefore, it has been classified as a Variant of Uncertain Significance.

NM_001199138.2(NLRC4):c.284_286del (p.Glu95del)

Gene: NLRC4 (NLR family CARD domain containing 4; minus strand). Cytogenetic location: 2p22.3.
Variant type: Deletion.
Coding change: c.284_286del on transcript NM_001199138.2 (MANE Select); coding-DNA positions 284 to 286, 3 bases deleted (AAG; older notation c.284_286delAAG).
Protein change: p.Glu95del; deletes glutamic acid 95.
Molecular consequence: inframe deletion. On other transcripts: inframe indel (2), intron variant (1).
Genome position (GRCh38, 1-based): chr2:32,251,578-32,251,580, CTT deleted on the plus strand (AAG on the coding strand, the reverse complement: NLRC4 is on the minus strand); deleting any 3 consecutive bases within chr2:32,251,578-32,251,582 gives the same sequence; the c. name uses the placement nearest the transcript's 3' end. VCF-style (leftmost placement, unchanged base first): chr2-32251577-CCTT-C. GRCh37 (hg19) VCF-style: chr2-32476646-CCTT-C.
Other names: c.282_284delAGA, p.Glu95del (NM_001199139.2, NM_021209.5); c.262+839_262+841del (NM_001302504.1); short protein forms E95del.
Identifiers: ClinVar variation 4786138 (VCV004786138.1).